The following is an entry in ClinVar:

ClinVar aggregate classification (germline): Uncertain significance (1 of 4 stars; one submission).

Allele frequency attached by ClinVar (database versions not stated): ExAC 0.00001; gnomAD exomes below 0.00001.
gnomAD v4.1: 3 of 1,613,910 alleles (0.00019%); highest among the groups gnomAD compares: South Asian, 0.0011%; no homozygotes.

Submission:

GeneDx
Classification: Uncertain significance. Last evaluated: 2026-01-16. Review status: criteria provided, single submitter. Criteria: GeneDx Variant Classification Process June 2021. Collection method: clinical testing. Allele origin: germline. Affected: yes.
Comment: Not observed at significant frequency in large population cohorts (gnomAD); In silico analysis supports that this missense variant has a deleterious effect on protein structure/function; Has not been previously published as pathogenic or benign to our knowledge

NM_000080.4(CHRNE):c.715A>C (p.Lys239Gln)

Genes: C17orf107 (chromosome 17 open reading frame 107; plus strand), CHRNE (cholinergic receptor nicotinic epsilon subunit; minus strand). Cytogenetic location: 17p13.2.
Variant type: single nucleotide variant.
Coding change: c.715A>C on transcript NM_000080.4 (MANE Select); coding-DNA position 715, A replaced by C.
Protein change: p.Lys239Gln; replaces lysine 239 with glutamine.
Molecular consequence: missense variant. On other transcripts: 3 prime UTR variant (1).
Genome position (GRCh38, 1-based): chr17:4,901,077, T>G on the plus strand (A>C on the coding strand, the complement: CHRNE is on the minus strand). VCF-style: chr17-4901077-T-G. GRCh37 (hg19) VCF-style: chr17-4804372-T-G.
Other names: c.*544T>G (NM_001145536.2); short protein forms K239Q.
Identifiers: ClinVar variation 427043 (VCV000427043.2), dbSNP rs746993242, ClinGen allele CA8314279.